The following is an entry in ClinVar:

ClinVar aggregate classification (germline): Likely benign. Review status: criteria provided, multiple submitters, no conflicts (2 of 4 stars). 5 submissions from 5 submitters: Likely benign (4). 1 of the submissions does not count toward it. Last evaluated 2026-08-01.

Conditions:
MYO9A-related disorder. Also called: MYO9A-related condition.
Myasthenic syndrome, congenital, 24, presynaptic. Identifiers: MedGen C4748684, MONDO:0032597, OMIM 618198.

Allele frequency attached by ClinVar (database versions not stated): 1000 Genomes Project 0.00160; 1000 Genomes Project 30x 0.00172; ExAC 0.00216; gnomAD exomes 0.00232 and 0.00318; gnomAD 0.00239 and 0.00245; TOPMed 0.00254; ESP Exome Variant Server 0.00308.
gnomAD v4.1: 5,019 of 1,613,312 alleles (0.31%); highest among the groups gnomAD compares: Non-Finnish European, 0.36%; 15 homozygotes.

Submissions (5):

CeGaT Center for Human Genetics Tuebingen
Classification: Likely benign. Last evaluated: 2026-08-01. Review status: criteria provided, single submitter. Criteria: CeGaT Center For Human Genetics Tuebingen Variant Classification Criteria Version 2. Collection method: clinical testing. Allele origin: germline. Affected: yes. Observed: 7 variant alleles.
Comment: MYO9A: BP4, BS2

PreventionGenetics, part of Exact Sciences
Classification: Likely benign for MYO9A-related condition. Last evaluated: 2024-12-04. Review status: criteria provided, single submitter. Criteria: ACMG Guidelines, 2015. Collection method: clinical testing. Allele origin: germline.
Comment: This variant is classified as likely benign based on ACMG/AMP sequence variant interpretation guidelines (Richards et al. 2015 PMID: 25741868, with internal and published modifications).

Blueprint Genetics
Classification: Likely benign. Last evaluated: 2024-11-22. Review status: criteria provided, single submitter. Criteria: ACMG Guidelines, 2015. Collection method: clinical testing. Allele origin: germline.

Labcorp Genetics (formerly Invitae), Labcorp
Classification: Likely benign. Last evaluated: 2019-12-31. Review status: criteria provided, single submitter. Criteria: Invitae Variant Classification Sherloc (09022015). Collection method: clinical testing. Allele origin: germline.

OMIM
Classification: Pathogenic for MYASTHENIC SYNDROME, CONGENITAL, 24. Last evaluated: 2018-11-29. Review status: no assertion criteria provided. Collection method: literature only. Allele origin: germline. Not counted in ClinVar's aggregate classification.

Literature cited by the submitters: PubMed 27259756 (cited by OMIM).

NM_006901.4(MYO9A):c.6848G>A (p.Arg2283His)

Gene: MYO9A (myosin IXA; minus strand). Cytogenetic location: 15q23.
Variant type: single nucleotide variant.
Coding change: c.6848G>A on transcript NM_006901.4 (MANE Select); coding-DNA position 6848, G replaced by A.
Protein change: p.Arg2283His; replaces arginine 2283 with histidine.
Molecular consequence: missense variant.
Genome position (GRCh38, 1-based): chr15:71,830,301, C>T on the plus strand (G>A on the coding strand, the complement: MYO9A is on the minus strand). VCF-style: chr15-71830301-C-T. GRCh37 (hg19) VCF-style: chr15-72122642-C-T.
Other names: MYO9A, ARG2283HIS (rs142345927); short protein forms R2283H.
Identifiers: ClinVar variation 791639 (VCV000791639.47), dbSNP rs142345927, ClinGen allele CA7640765.